The following is an entry in ClinVar:

NM_003907.3(EIF2B5):c.1913G>A (p.Arg638His)

Gene: EIF2B5 (eukaryotic translation initiation factor 2B subunit epsilon; plus strand). Cytogenetic location: 3q27.1.
Variant type: single nucleotide variant.
Coding change: c.1913G>A on transcript NM_003907.3 (MANE Select); coding-DNA position 1913, G replaced by A.
Protein change: p.Arg638His; replaces arginine 638 with histidine.
Molecular consequence: missense variant.
Genome position (GRCh38, 1-based): chr3:184,144,142, G>A. VCF-style: chr3-184144142-G-A. GRCh37 (hg19) VCF-style: chr3-183861930-G-A.
Other names: short protein forms R638H.
Identifiers: ClinVar variation 902386 (VCV000902386.8), dbSNP rs138772928, ClinGen allele CA2726844.

ClinVar aggregate classification (germline): Conflicting classifications of pathogenicity. Review status: criteria provided, conflicting classifications (1 of 4 stars). 4 submissions from 4 submitters: Uncertain significance (3); Likely benign (1). Last evaluated 2024-10-29.

Conditions:
Vanishing white matter disease. Also called: CACH syndrome; Childhood ataxia with diffuse central nervous system hypomyelination; Leukoencephalopathy with vanishing white matter; CACH/VWM syndrome; Cree leukoencehalopathy. Identifiers: Orphanet 135, Orphanet 99853, MedGen C1858991, MONDO:0800448.
Inborn genetic diseases. Identifiers: MedGen C0950123, MeSH D030342.

Allele frequency attached by ClinVar (database versions not stated): TOPMed 0.00011; gnomAD 0.00014; gnomAD exomes 0.00015 and 0.00021; 1000 Genomes Project 0.00020; ESP Exome Variant Server 0.00023; ExAC 0.00025; 1000 Genomes Project 30x 0.00094.

Submissions (4):

Labcorp Genetics (formerly Invitae), Labcorp
Classification: Uncertain significance. Last evaluated: 2024-10-29. Review status: criteria provided, single submitter. Criteria: Invitae Variant Classification Sherloc (09022015). Collection method: clinical testing. Allele origin: germline.
Comment: This sequence change replaces arginine, which is basic and polar, with histidine, which is basic and polar, at codon 638 of the EIF2B5 protein (p.Arg638His). This variant is present in population databases (rs138772928, gnomAD 0.2%). This variant has not been reported in the literature in individuals affected with EIF2B5-related conditions. ClinVar contains an entry for this variant (Variation ID: 902386). Invitae Evidence Modeling of protein sequence and biophysical properties (such as structural, functional, and spatial information, amino acid conservation, physicochemical variation, residue mobility, and thermodynamic stability) has been performed for this missense variant. However, the output from this modeling did not meet the statistical confidence thresholds required to predict the impact of this variant on EIF2B5 protein function. In summary, the available evidence is currently insufficient to determine the role of this variant in disease. Therefore, it has been classified as a Variant of Uncertain Significance.

Ambry Genetics
Classification: Likely benign for Inborn genetic diseases. Last evaluated: 2024-01-24. Review status: criteria provided, single submitter. Criteria: Ambry Variant Classification Scheme 2023. Collection method: clinical testing. Allele origin: germline.

Baylor Genetics
Classification: Uncertain significance for Leukoencephalopathy with vanishing white matter 1. Last evaluated: 2020-10-19. Review status: criteria provided, single submitter. Criteria: ACMG Guidelines, 2015. Collection method: clinical testing. Allele origin: unknown. Affected: yes.
Comment: This variant was determined to be of uncertain significance according to ACMG Guidelines, 2015 [PMID:25741868].

Illumina Laboratory Services, Illumina
Classification: Uncertain significance for Leukoencephalopathy with vanishing white matter 1. Last evaluated: 2017-04-27. Review status: criteria provided, single submitter. Criteria: ICSL Variant Classification Criteria 13 December 2019. Collection method: clinical testing. Allele origin: germline.